The following is an entry in ClinVar:

NM_001378418.1(TCF20):c.2743G>T (p.Val915Leu)

Gene: TCF20 (transcription factor 20; minus strand). Cytogenetic location: 22q13.2.
Variant type: single nucleotide variant.
Coding change: c.2743G>T on transcript NM_001378418.1 (MANE Select); coding-DNA position 2743, G replaced by T.
Protein change: p.Val915Leu; replaces valine 915 with leucine.
Molecular consequence: missense variant.
Genome position (GRCh38, 1-based): chr22:42,212,563, C>A on the plus strand (G>T on the coding strand, the complement: TCF20 is on the minus strand). VCF-style: chr22-42212563-C-A. GRCh37 (hg19) VCF-style: chr22-42608569-C-A.
Other names: c.2743G>T, p.Val915Leu (NM_005650.4, NM_181492.3); short protein forms V915L.
Identifiers: ClinVar variation 4534735 (VCV004534735.6).
Genomic context (GRCh38, chr22:42,212,563, plus strand): 5'-GTTCAAAGTCTTCCTCTTTTATCTGCCCGCTCTGGGATTTCAGCTTGGTTTCCATGGACA[C>A]CAAACCACCAGGAAGAATGACCGACTGACTTAAAGTTGGATTGAGACGGTCATTCCTCCC-3'
Protein context (NP_001365347.1, residues 905-925): SQSVILPGGL[Val915Leu]SMETKLKSQS

ClinVar aggregate classification (germline): Likely benign (1 of 4 stars; one submission).

Submission:

CeGaT Center for Human Genetics Tuebingen
Classification: Likely benign. Last evaluated: 2025-12-01. Review status: criteria provided, single submitter. Criteria: CeGaT Center For Human Genetics Tuebingen Variant Classification Criteria Version 2. Collection method: clinical testing. Allele origin: germline. Affected: yes. Observed: 1 variant allele.
Comment: TCF20: BS2